The following is an entry in ClinVar:

ClinVar aggregate classification (germline): Uncertain significance (1 of 4 stars; one submission).

Conditions:
Familial focal epilepsy with variable foci (FPEVF). Identifiers: Orphanet 98820, MedGen C1858477, MONDO:0020310.

Submission:

Labcorp Genetics (formerly Invitae), Labcorp
Classification: Uncertain significance for Familial focal epilepsy with variable foci. Last evaluated: 2020-11-04. Review status: criteria provided, single submitter. Criteria: Invitae Variant Classification Sherloc (09022015). Collection method: clinical testing. Allele origin: germline.
Comment: This sequence change replaces methionine with isoleucine at codon 1231 of the DEPDC5 protein (p.Met1231Ile). The methionine residue is highly conserved and there is a small physicochemical difference between methionine and isoleucine. In summary, the available evidence is currently insufficient to determine the role of this variant in disease. Therefore, it has been classified as a Variant of Uncertain Significance. Algorithms developed to predict the effect of missense changes on protein structure and function are either unavailable or do not agree on the potential impact of this missense change (SIFT: "Deleterious"; PolyPhen-2: "Not Available"; Align-GVGD: "Class C0"). This variant has not been reported in the literature in individuals with DEPDC5-related conditions. This variant is not present in population databases (ExAC no frequency).

NM_001242896.3(DEPDC5):c.3693G>A (p.Met1231Ile)

Gene: DEPDC5 (DEP domain containing 5, GATOR1 subcomplex subunit; plus strand). Cytogenetic location: 22q12.3.
Variant type: single nucleotide variant.
Coding change: c.3693G>A on transcript NM_001242896.3 (MANE Select); coding-DNA position 3693, G replaced by A.
Protein change: p.Met1231Ile; replaces methionine 1231 with isoleucine.
Molecular consequence: missense variant. On other transcripts: non-coding transcript variant (4).
Genome position (GRCh38, 1-based): chr22:31,874,402, G>A. VCF-style: chr22-31874402-G-A. GRCh37 (hg19) VCF-style: chr22-32270388-G-A.
Other names: c.3666G>A, p.Met1222Ile (NM_001136029.4); c.3393G>A, p.Met1131Ile (NM_001242897.2); c.3627G>A, p.Met1209Ile (NM_001363852.2, NM_001364320.2); c.3459G>A, p.Met1153Ile (NM_001363854.2, NM_001364319.2); c.3693G>A, p.Met1231Ile (NM_001364318.2); c.3609G>A, p.Met1203Ile (NM_001369901.1, NM_001369902.1); c.3600G>A, p.Met1200Ile (NM_001369903.1, NM_014662.6); short protein forms M1131I, M1153I, M1200I, M1203I, M1209I, M1222I, M1231I.
Identifiers: ClinVar variation 1001489 (VCV001001489.8), dbSNP rs2092934953, ClinGen allele CA411278288.